The following is an entry in ClinVar:

NM_000283.4(PDE6B):c.220C>T (p.Arg74Cys)

Gene: PDE6B (phosphodiesterase 6B; plus strand). Cytogenetic location: 4p16.3.
Variant type: single nucleotide variant.
Coding change: c.220C>T on transcript NM_000283.4 (MANE Select); coding-DNA position 220, C replaced by T.
Protein change: p.Arg74Cys; replaces arginine 74 with cysteine.
Molecular consequence: missense variant.
Genome position (GRCh38, 1-based): chr4:625,846, C>T. VCF-style: chr4-625846-C-T. GRCh37 (hg19) VCF-style: chr4-619635-C-T.
Other names: c.220C>T, p.Arg74Cys (NM_001145291.2); short protein forms R74C.
Identifiers: ClinVar variation 838685 (VCV000838685.17), dbSNP rs144590560, ClinGen allele CA2793876.

ClinVar aggregate classification (germline): Conflicting classifications of pathogenicity. Review status: criteria provided, conflicting classifications (1 of 4 stars). 7 submissions from 6 submitters: Uncertain significance (4); Benign (1); Likely benign (2). Last evaluated 2026-07-07.

Conditions:
Retinitis pigmentosa (RP). Identifiers: Orphanet 791, MedGen C0035334, MeSH D012174, MONDO:0019200, OMIM 268000. Inheritance: Autosomal dominant, autosomal recessive and X linked inheritance.
PDE6B-related disorder. Also called: PDE6B-related disease; PDE6B-related condition; PDE6B-related disorders.
Congenital stationary night blindness autosomal dominant 2. Also called: NIGHT BLINDNESS, CONGENITAL STATIONARY, RAMBUSCH TYPE. Identifiers: Orphanet 215, MedGen C1876182, MONDO:0008099, OMIM 163500.
Retinitis pigmentosa 40 (RP40). Identifiers: Orphanet 791, MedGen C3151107, MONDO:0013429, OMIM 613801.

Allele frequency attached by ClinVar (database versions not stated): ESP Exome Variant Server 0.00038; TOPMed 0.00040; gnomAD 0.00045 and 0.00046; gnomAD exomes 0.00053; ExAC 0.00062.
gnomAD v4.1: 1,384 of 1,612,386 alleles (0.086%); highest among the groups gnomAD compares: Non-Finnish European, 0.11%; 3 homozygotes.

Submissions (7):

PreventionGenetics, part of Exact Sciences
Classification: Uncertain significance for PDE6B-related condition. Last evaluated: 2026-07-07. Review status: criteria provided, single submitter. Criteria: ACMG Guidelines, 2015. Collection method: clinical testing. Allele origin: germline.
Comment: The PDE6B c.220C>T variant is predicted to result in the amino acid substitution p.Arg74Cys. This variant has been reported in individuals with retinitis pigmentosa or Leber congenital amaurosis (Table S1, Wang et al. 2018. PubMed ID: 30029497). This variant has been reported in individuals with retinitis pigmentosa (van Huet et al. 2015. PubMed ID: 25999674; Cheng et al. 2016. PubMed ID: 27588261); however, additional genetic information was not provided. This variant is reported in 0.096% of alleles in individuals of European (Non-Finnish) descent in gnomAD including one homozygous individual, which may be too frequent to be a primary cause of disease. Although we suspect that this variant may be benign, at this time, the clinical significance of this variant is uncertain due to the absence of conclusive functional and genetic evidence.

CeGaT Center for Human Genetics Tuebingen
Classification: Likely benign. Last evaluated: 2026-06-01. Review status: criteria provided, single submitter. Criteria: CeGaT Center For Human Genetics Tuebingen Variant Classification Criteria Version 2. Collection method: clinical testing. Allele origin: germline. Affected: yes. Observed: 1 variant allele.
Comment: PDE6B: BP4

Labcorp Genetics (formerly Invitae), Labcorp
Classification: Likely benign. Last evaluated: 2025-12-28. Review status: criteria provided, single submitter. Criteria: Invitae Variant Classification Sherloc (09022015). Collection method: clinical testing. Allele origin: germline.

Blueprint Genetics
Classification: Uncertain significance. Last evaluated: 2024-11-22. Review status: criteria provided, single submitter. Criteria: ACMG Guidelines, 2015. Collection method: clinical testing. Allele origin: germline.

Department of Pathology and Laboratory Medicine, Sinai Health System
Classification: Uncertain significance for Congenital stationary night blindness autosomal dominant 2; Retinitis pigmentosa 40. Last evaluated: 2023-02-01. Review status: criteria provided, single submitter. Criteria: ACMG Guidelines, 2015. Collection method: research. Allele origin: germline.

Illumina Laboratory Services, Illumina
Classification: Uncertain significance for Retinitis pigmentosa. Last evaluated: 2017-04-28. Review status: criteria provided, single submitter. Criteria: ICSL Variant Classification Criteria 13 December 2019. Collection method: clinical testing. Allele origin: germline.
Comment: This variant was observed as part of a predisposition screen in an ostensibly healthy population. A literature search was performed for the gene, cDNA change, and amino acid change (where applicable). Publications were found based on this search. However, the evidence from the literature, in combination with allele frequency data from public databases where available, was not sufficient to rule this variant in or out of causing disease. Therefore, this variant is classified as a variant of unknown significance.

Illumina Laboratory Services, Illumina
Classification: Benign for Congenital stationary night blindness autosomal dominant 2. Last evaluated: 2017-04-28. Review status: criteria provided, single submitter. Criteria: ICSL Variant Classification Criteria 13 December 2019. Collection method: clinical testing. Allele origin: germline.
Comment: This variant was observed as part of a predisposition screen in an ostensibly healthy population. A literature search was performed for the gene, cDNA change, and amino acid change (where applicable). No publications were found based on this search. Allele frequency data from public databases was too high to be consistent with this variant causing disease. Therefore, this variant is classified as benign.

Literature cited by the submitters: PubMed 27588261 (cited by Illumina Laboratory Services, Illumina).